The following is an entry in ClinVar:

NM_001987.5(ETV6):c.1336A>T (p.Ile446Leu)

Gene: ETV6 (ETS variant transcription factor 6; plus strand). Cytogenetic location: 12p13.2.
Variant type: single nucleotide variant.
Coding change: c.1336A>T on transcript NM_001987.5 (MANE Select); coding-DNA position 1336, A replaced by T.
Protein change: p.Ile446Leu; replaces isoleucine 446 with leucine.
Molecular consequence: missense variant. On other transcripts: 3 prime UTR variant (1).
Genome position (GRCh38, 1-based): chr12:11,891,023, A>T. VCF-style: chr12-11891023-A-T. GRCh37 (hg19) VCF-style: chr12-12043957-A-T.
Other names: c.1333A>T, p.Ile445Leu (NM_001413913.1); c.1309A>T, p.Ile437Leu (NM_001413914.1); c.1072A>T, p.Ile358Leu (NM_001413915.1); c.*75A>T (NM_001413917.1); short protein forms I358L, I446L, I437L, I445L.
Identifiers: ClinVar variation 3846478 (VCV003846478.1).

ClinVar aggregate classification (germline): Uncertain significance (1 of 4 stars; one submission).

Conditions:
Inborn genetic diseases. Identifiers: MedGen C0950123, MeSH D030342.

Submission:

Ambry Genetics
Classification: Uncertain significance for Inborn genetic diseases. Last evaluated: 2024-12-16. Review status: criteria provided, single submitter. Criteria: Ambry Variant Classification Scheme 2023. Collection method: clinical testing. Allele origin: germline.
Comment: The p.I446L variant (also known as c.1336A>T), located in coding exon 8 of the ETV6 gene, results from an A to T substitution at nucleotide position 1336. The isoleucine at codon 446 is replaced by leucine, an amino acid with highly similar properties. This amino acid position is conserved. In addition, this alteration is predicted to be tolerated by in silico analysis. Based on the available evidence, the clinical significance of this variant remains unclear.